The following is an entry in ClinVar:

NC_000012.12:g.(?_132657126)_(132687315_?)del

Gene: POLE (DNA polymerase epsilon, catalytic subunit; minus strand). Cytogenetic location: 12q24.33.
Variant type: Deletion.
Identifiers: ClinVar variation 830579 (VCV000830579.8).

ClinVar aggregate classification (germline): Pathogenic (1 of 4 stars; one submission).

Conditions:
Colorectal cancer, susceptibility to, 12 (CRCS12). Also called: COLORECTAL CANCER, SUSCEPTIBILITY TO, ON CHROMOSOME 12q24. Identifiers: Orphanet 220460, MedGen C3554460, MONDO:0014038, OMIM 615083.

Submission:

Labcorp Genetics (formerly Invitae), Labcorp
Classification: Pathogenic for Colorectal cancer, susceptibility to, 12. Last evaluated: 2022-05-27. Review status: criteria provided, single submitter. Criteria: Invitae Variant Classification Sherloc (09022015). Collection method: clinical testing. Allele origin: germline.
Comment: This variant is a gross deletion of the genomic region encompassing exon(s) 1-29 of the POLE gene, which includes the initiator codon. This deletion extends beyond the assayed region for this gene and therefore may encompass additional genes. It is expected to result in an absent or disrupted protein product. Loss-of-function variants in POLE are known to be pathogenic (PMID: 23230001, 25948378, 30503519). This variant has not been reported in the literature in individuals affected with POLE-related conditions. For these reasons, this variant has been classified as Pathogenic.

Literature cited by the submitters: PubMed 23230001; PubMed 25948378; PubMed 30503519.